The following is an entry in ClinVar:

NM_003924.4(PHOX2B):c.644G>T (p.Gly215Val)

Gene: PHOX2B (paired like homeobox 2B; minus strand). Cytogenetic location: 4p13.
Variant type: single nucleotide variant.
Coding change: c.644G>T on transcript NM_003924.4 (MANE Select); coding-DNA position 644, G replaced by T.
Protein change: p.Gly215Val; replaces glycine 215 with valine.
Molecular consequence: missense variant.
Genome position (GRCh38, 1-based): chr4:41,746,108, C>A on the plus strand (G>T on the coding strand, the complement: PHOX2B is on the minus strand). VCF-style: chr4-41746108-C-A. GRCh37 (hg19) VCF-style: chr4-41748125-C-A.
Other names: short protein forms G215V.
Identifiers: ClinVar variation 5026618 (VCV005026618.1).

ClinVar aggregate classification (germline): Uncertain significance (1 of 4 stars; one submission).

Conditions:
Hereditary cancer-predisposing syndrome. Also called: Neoplastic Syndromes, Hereditary; Tumor predisposition; Hereditary neoplastic syndrome; Hereditary Cancer Syndrome. Identifiers: Orphanet 140162, MedGen C0027672, MeSH D009386, MONDO:0015356.

gnomAD v4.1: 1 of 1,582,800 alleles (0.000063%); highest among the groups gnomAD compares: South Asian, 0.0011%; no homozygotes.

Submission:

Ambry Genetics
Classification: Uncertain significance for Hereditary cancer-predisposing syndrome. Last evaluated: 2026-07-07. Review status: criteria provided, single submitter. Criteria: Ambry Variant Classification Scheme 2023. Collection method: clinical testing. Allele origin: germline.
Comment: The p.G215V variant (also known as c.644G>T), located in coding exon 3 of the PHOX2B gene, results from a G to T substitution at nucleotide position 644. The glycine at codon 215 is replaced by valine, an amino acid with dissimilar properties. This amino acid position is conserved. In addition, the in silico prediction for this alteration is inconclusive. Based on the available evidence, the clinical significance of this variant remains unclear.